The following is an entry in ClinVar:

ClinVar aggregate classification (germline): Benign/Likely benign. Review status: criteria provided, multiple submitters, no conflicts (2 of 4 stars). 2 submissions from 2 submitters: Benign (1); Likely benign (1). Last evaluated 2024-09-03.

Conditions:
Familial cancer of breast. Also called: BREAST CANCER, FAMILIAL; Hereditary breast cancer; hereditary breast carcinoma. Identifiers: Orphanet 227535, MedGen C0346153, MONDO:0016419, OMIM 114480. Disease mechanism: loss of function.
Hereditary cancer-predisposing syndrome. Also called: Neoplastic Syndromes, Hereditary; Tumor predisposition; Hereditary Cancer Syndrome; Hereditary neoplastic syndrome. Identifiers: Orphanet 140162, MedGen C0027672, MeSH D009386, MONDO:0015356.

Submissions (2):

Myriad Genetics, Inc.
Classification: Benign for Familial cancer of breast. Last evaluated: 2024-09-03. Review status: criteria provided, single submitter. Criteria: Myriad Autosomal Dominant, Autosomal Recessive and X-Linked Classification Criteria (2023). Collection method: clinical testing. Allele origin: unknown.
Comment: This variant is considered benign. This variant is a silent/synonymous amino acid change and it is not expected to impact splicing.

Color Diagnostics, LLC DBA Color Health
Classification: Likely benign for Hereditary cancer-predisposing syndrome. Last evaluated: 2019-07-29. Review status: criteria provided, single submitter. Criteria: ACMG Guidelines, 2015. Collection method: clinical testing. Allele origin: germline.

NM_032043.3(BRIP1):c.2148T>C (p.Asn716=)

Gene: BRIP1 (BRCA1 interacting DNA helicase 1; minus strand). Cytogenetic location: 17q23.2.
Variant type: single nucleotide variant.
Coding change: c.2148T>C on transcript NM_032043.3 (MANE Select); coding-DNA position 2148, T replaced by C.
Protein change: p.Asn716=; no amino-acid change (asparagine 716 retained).
Molecular consequence: synonymous variant.
Genome position (GRCh38, 1-based): chr17:61,744,541, A>G on the plus strand (T>C on the coding strand, the complement: BRIP1 is on the minus strand). VCF-style: chr17-61744541-A-G. GRCh37 (hg19) VCF-style: chr17-59821902-A-G.
Identifiers: ClinVar variation 925977 (VCV000925977.3), dbSNP rs2077033063, ClinGen allele CA501151355.